The following is an entry in ClinVar:

NM_000260.4(MYO7A):c.4112T>A (p.Val1371Glu)

Gene: MYO7A (myosin VIIA; plus strand). Cytogenetic location: 11q13.5.
Variant type: single nucleotide variant.
Coding change: c.4112T>A on transcript NM_000260.4 (MANE Select); coding-DNA position 4112, T replaced by A.
Protein change: p.Val1371Glu; replaces valine 1371 with glutamic acid.
Molecular consequence: missense variant.
Genome position (GRCh38, 1-based): chr11:77,192,238, T>A. VCF-style: chr11-77192238-T-A. GRCh37 (hg19) VCF-style: chr11-76903283-T-A.
Other names: c.4112T>A, p.Val1371Glu (NM_001127180.2); c.4079T>A, p.Val1360Glu (NM_001369365.1); short protein forms V1360E, V1371E.
Identifiers: ClinVar variation 3601477 (VCV003601477.1).
Genomic context (GRCh38, chr11:77,192,238, plus strand): 5'-TCACGCCCTGGCACAGCCCCTCCGAGGACAACGTGGCCACCAACCTCATCTACCAGCAGG[T>A]GGTGCGAGGAGTCAAGTTTGGGGAGTACAGGTGTGAGAAGGTGAGTGGGAGGGAATCTTC-3'
Protein context (NP_000251.3, residues 1361-1381): NVATNLIYQQ[Val1371Glu]VRGVKFGEYR

ClinVar aggregate classification (germline): Likely pathogenic (1 of 4 stars; one submission).

Conditions:
Autosomal recessive nonsyndromic hearing loss 2. Also called: NEUROSENSORY NONSYNDROMIC RECESSIVE DEAFNESS 2; DEAFNESS, AUTOSOMAL RECESSIVE 2. Identifiers: Orphanet 90636, MedGen C1838701, MONDO:0010807, OMIM 600060.

Submission:

Institute of Rare Diseases, West China Hospital, Sichuan University
Classification: Likely pathogenic for Autosomal recessive nonsyndromic hearing loss 2. Last evaluated: 2025-01-09. Review status: criteria provided, single submitter. Criteria: ClinGen HL ACMG Specifications v1. Collection method: research. Allele origin: germline. Affected: yes.
Comment: PM3;PM5;PM2_Supporting;PP3